The following continues an entry in ClinVar:

NM_000492.4(CFTR):c.1327G>T (p.Asp443Tyr)

ClinVar aggregate classification (germline): Conflicting classifications of pathogenicity. Pathogenic (9); Likely pathogenic (13); Uncertain significance (4).

Submissions 21 to 28 of 28:

Mendelics
Classification: Likely pathogenic for Cystic fibrosis. Last evaluated: 2018-11-05. Review status: criteria provided, single submitter. Criteria: Mendelics Assertion Criteria 2017. Collection method: clinical testing. Allele origin: unknown. Affected: yes.

Illumina Laboratory Services, Illumina
Classification: Likely pathogenic for CFTR-Related Disorders. Last evaluated: 2018-09-18. Review status: criteria provided, single submitter. Criteria: ICSL Variant Classification Criteria 09 May 2019. Collection method: clinical testing. Allele origin: germline.
Comment: The CFTR c.1327G>T (p.Asp443Tyr) missense variant has been reported in a compound heterozygous state in five individuals with chronic sinusitis and bronchitis and in a heterozygous state in one proband with congenital uni- or bilateral absence of the vas deferens (de Meeus et al. 1997; Mieusset et al. 2016). The p.Asp443Tyr variant has been reported as part of a complex allele, in cis with c.1727G>C (p.Gly576Ala) and c.2002C>T (p.Arg668Cys) in 57 probands in a compound heterozygous state and in three probands in a heterozygous state (El-Seedy et al. 2012; Abou Alaiwa et al. 2014). Abramowicz et al. (2000) reported the p.[Asp443Tyr;Gly576Ala;Arg668Cys] variant in a compound heterozygous state in a fetus with hyperechoic bowel, a sibling with a history of lower respiratory tract infection and slightly raised sweat chloride, and in an asymptomatic sibling. The p.[Asp443Tyr;Gly576Ala;Arg668Cys] complex allele has been reported in four of 1,423 controls. The p.Asp443Tyr variant is reported at a frequency of 0.000461 in the European (non-Finnish) population of the Genome Aggregation Database. Functional studies indicate that p.[Asp443Tyr;Gly576Ala;Arg668Cys] alters CFTR maturation and chloride conductance but retains some residual function, which is consistent with mild or moderate phenotypes. Based on the evidence, the p.Asp443Tyr variant is classified as likely pathogenic for CFTR-related disorders. This variant was observed by ICSL as part of a predisposition screen in an ostensibly healthy population.

CFTR-France
Classification: Pathogenic for CFTR-related disorders. Last evaluated: 2018-03-26. Review status: criteria provided, single submitter. Criteria: Claustres M et al. (Hum Mutat 2017). Collection method: curation. Allele origin: germline. Affected: yes.

Laboratory for Molecular Medicine, Mass General Brigham Personalized Medicine
Classification: Uncertain significance. Last evaluated: 2014-06-05. Review status: criteria provided, single submitter. Criteria: LMM Criteria. Collection method: clinical testing. Allele origin: germline. Observed: 2 variant alleles.
Comment: The Asp443Tyr variant in CFTR has been reported in >50 compound heterozygous ind ividuals with varying clinical diagnoses, including congenital bilateral absence of the van deferens (CBAVD), diffuse bronchiectasis, idiopathic pancreatitis, a nd cystic fibrosis (de Meeus 1997, El-Seedy 2012); however most of these individ uals carried one or more CFTR variants in cis with this variant. This variant be en identified in 2/8588 European American and 2/4400 African American chromosome s by the NHLBI Exome Sequencing Project (dbSN P rs147422190). Functional data suggest that the Asp443Tyr variant may alter CFT R protein maturation (El-Seedy 2012), however this in vivo assay may not accurat ely reflect biological function. Computational prediction tools and evolutionary conservation analysis do not provide strong support for or against an impact to the protein. In summary, the clinical significance of the Asp443Tyr variant is uncertain.

Eurofins Ntd Llc (ga)
Classification: Pathogenic. Last evaluated: 2012-12-14. Review status: criteria provided, single submitter. Criteria: EGL Classification Definitions. Collection method: clinical testing. Allele origin: germline. Observed: 4 variant alleles, 4 heterozygotes.

Baylor Genetics
Classification: Likely pathogenic for Congenital bilateral aplasia of vas deferens from CFTR mutation; Cystic fibrosis. Review status: criteria provided, single submitter. Criteria: ACMG Guidelines, 2015. Collection method: clinical testing. Allele origin: germline.

Genome Diagnostics Laboratory, The Hospital for Sick Children
Classification: Likely pathogenic for CFTR-related disorders. Last evaluated: 2019-10-01. Review status: no assertion criteria provided. Collection method: clinical testing. Allele origin: germline. Not counted in ClinVar's aggregate classification.

Counsyl
Classification: Uncertain significance for Cystic fibrosis. Last evaluated: 2018-04-02. Review status: no assertion criteria provided. Collection method: clinical testing. Allele origin: unknown. Not counted in ClinVar's aggregate classification.

Literature cited by the submitters: PubMed 21520337 (cited by 7 submitters); PubMed 10922395 (cited by 4 submitters); PubMed 22678879 (cited by 9 submitters); PubMed 23951356 (cited by 5 submitters); PubMed 15126740 (cited by Labcorp Genetics (formerly Invitae), Labcorp and Dasa); PubMed 20837875 (cited by Quest Diagnostics Nichols Institute San Juan Capistrano); PubMed 10923036 (cited by 3 submitters); PubMed 29805046 (cited by 7 submitters); PubMed 38203285 (cited by Quest Diagnostics Nichols Institute San Juan Capistrano); PubMed 38388235 (cited by Quest Diagnostics Nichols Institute San Juan Capistrano); PubMed 38515211 (cited by Quest Diagnostics Nichols Institute San Juan Capistrano); PubMed 38825435 (cited by Quest Diagnostics Nichols Institute San Juan Capistrano); PubMed 39262237 (cited by Quest Diagnostics Nichols Institute San Juan Capistrano); PubMed 10200050 (cited by 5 submitters); PubMed 21658649 (cited by Ambry Genetics and Women's Health and Genetics/Laboratory Corporation of America, LabCorp); PubMed 25826586 (cited by Ambry Genetics); PubMed 20021716 (cited by 3 submitters); PubMed 32512765 (cited by Dasa); PubMed 32172930 (cited by Dasa and Sema4); PubMed 25133958 (cited by Dasa); PubMed 20186691 (cited by Dasa); PubMed 26946416 (cited by Sema4 and Illumina Laboratory Services, Illumina); PubMed 26990548 (cited by AiLife Diagnostics); PubMed 23420618 (cited by AiLife Diagnostics and Counsyl); PubMed 17329263 (cited by Women's Health and Genetics/Laboratory Corporation of America, LabCorp); PubMed 12732620 (cited by Women's Health and Genetics/Laboratory Corporation of America, LabCorp and Counsyl); PubMed 17413420 (cited by Women's Health and Genetics/Laboratory Corporation of America, LabCorp); PubMed 23974870 (cited by Women's Health and Genetics/Laboratory Corporation of America, LabCorp); PubMed 20977904 (cited by Women's Health and Genetics/Laboratory Corporation of America, LabCorp); PubMed 21184098 (cited by Women's Health and Genetics/Laboratory Corporation of America, LabCorp); PubMed 15536480 (cited by Women's Health and Genetics/Laboratory Corporation of America, LabCorp); PubMed 12070257 (cited by Women's Health and Genetics/Laboratory Corporation of America, LabCorp); PubMed 12940920 (cited by Women's Health and Genetics/Laboratory Corporation of America, LabCorp); PubMed 19710401 (cited by Women's Health and Genetics/Laboratory Corporation of America, LabCorp); PubMed 15520400 (cited by Women's Health and Genetics/Laboratory Corporation of America, LabCorp); PubMed 19812525 (cited by Women's Health and Genetics/Laboratory Corporation of America, LabCorp); PubMed 10601093 (cited by Women's Health and Genetics/Laboratory Corporation of America, LabCorp); PubMed 18687795 (cited by Women's Health and Genetics/Laboratory Corporation of America, LabCorp); PubMed 20059485 (cited by Women's Health and Genetics/Laboratory Corporation of America, LabCorp and Counsyl); PubMed 16126774 (cited by Women's Health and Genetics/Laboratory Corporation of America, LabCorp); PubMed 10875876 (cited by Women's Health and Genetics/Laboratory Corporation of America, LabCorp); PubMed 15698946 (cited by Women's Health and Genetics/Laboratory Corporation of America, LabCorp and Counsyl); PubMed 24418186 (cited by Illumina Laboratory Services, Illumina); PubMed 2267887 (cited by Counsyl).